The following is an entry in ClinVar:

ClinVar aggregate classification (germline): Uncertain significance (1 of 4 stars; one submission).

Submission:

Labcorp Genetics (formerly Invitae), Labcorp
Classification: Uncertain significance. Last evaluated: 2025-09-16. Review status: criteria provided, single submitter. Criteria: Invitae Variant Classification Sherloc (09022015). Collection method: clinical testing. Allele origin: germline.
Comment: This sequence change replaces glutamic acid, which is acidic and polar, with valine, which is neutral and non-polar, at codon 288 of the TUBB2B protein (p.Glu288Val). This variant is not present in population databases (gnomAD no frequency). This missense change has been observed in individual(s) with TUBB2B-related conditions (internal data). Invitae Evidence Modeling of protein sequence and biophysical properties (such as structural, functional, and spatial information, amino acid conservation, physicochemical variation, residue mobility, and thermodynamic stability) indicates that this missense variant is expected to disrupt TUBB2B protein function with a positive predictive value of 80%. This variant disrupts the p.Glu288 amino acid residue in TUBB2B. Other variant(s) that disrupt this residue have been determined to be pathogenic (PMID: 30585108). This suggests that this residue is clinically significant, and that variants that disrupt this residue are likely to be disease-causing. In summary, the available evidence is currently insufficient to determine the role of this variant in disease. Therefore, it has been classified as a Variant of Uncertain Significance.

Literature cited by the submitters: PubMed 30585108.

NM_178012.5(TUBB2B):c.863A>T (p.Glu288Val)

Gene: TUBB2B (tubulin beta 2B class IIb; minus strand). Cytogenetic location: 6p25.2.
Variant type: single nucleotide variant.
Coding change: c.863A>T on transcript NM_178012.5 (MANE Select); coding-DNA position 863, A replaced by T.
Protein change: p.Glu288Val; replaces glutamic acid 288 with valine.
Molecular consequence: missense variant.
Genome position (GRCh38, 1-based): chr6:3,225,226, T>A on the plus strand (A>T on the coding strand, the complement: TUBB2B is on the minus strand). VCF-style: chr6-3225226-T-A. GRCh37 (hg19) VCF-style: chr6-3225460-T-A.
Other names: short protein forms E288V.
Identifiers: ClinVar variation 4711584 (VCV004711584.1).